The following is an entry in ClinVar:

ClinVar aggregate classification (germline): Pathogenic (1 of 4 stars; one submission).

Conditions:
Tuberous sclerosis 2 (TSC2). Identifiers: Orphanet 805, MedGen C1860707, MONDO:0013199, OMIM 613254.

Submission:

Labcorp Genetics (formerly Invitae), Labcorp
Classification: Pathogenic for Tuberous sclerosis 2. Last evaluated: 2017-05-27. Review status: criteria provided, single submitter. Criteria: Invitae Variant Classification Sherloc (09022015). Collection method: clinical testing. Allele origin: germline.
Comment: This sequence change creates a premature translational stop signal (p.Ser428Profs*21) in the TSC2 gene. It is expected to result in an absent or disrupted protein product. This variant is not present in population databases (ExAC no frequency). This variant has not been reported in the literature in individuals with a TSC2-related disease. Loss-of-function variants in TSC2 are known to be pathogenic (PMID: 10205261, 17304050). For these reasons, this variant has been classified as Pathogenic.

Literature cited by the submitters: PubMed 10205261; PubMed 17304050.

NM_000548.5(TSC2):c.1282del (p.Ser428fs)

Gene: TSC2 (TSC complex subunit 2; plus strand). Cytogenetic location: 16p13.3.
Variant type: Deletion.
Coding change: c.1282del on transcript NM_000548.5 (MANE Select); coding-DNA position 1282, one base deleted (T; older notation c.1282delT).
Protein change: p.Ser428fs; shifts the reading frame from serine 428.
Molecular consequence: frameshift variant.
Genome position (GRCh38, 1-based): chr16:2,062,521, T deleted. VCF-style (leftmost placement, unchanged base first): chr16-2062520-CT-C. GRCh37 (hg19) VCF-style: chr16-2112521-CT-C.
Other names: c.1282del, p.Ser428fs (NM_001077183.3, NM_001114382.3, NM_001363528.2 and 3 more transcripts); c.1171del, p.Ser391fs (NM_001318827.2); c.1135del, p.Ser379fs (NM_001318829.2); c.682del, p.Ser228fs (NM_001318831.2); c.1315del, p.Ser439fs (NM_001318832.2); short protein forms S228fs, S379fs, S428fs, S439fs, S391fs.
Identifiers: ClinVar variation 467857 (VCV000467857.6), dbSNP rs1555501373, ClinGen allele CA658658356.